The following is an entry in ClinVar:

ClinVar aggregate classification (germline): Benign/Likely benign. Review status: criteria provided, multiple submitters, no conflicts (2 of 4 stars). 5 submissions from 5 submitters: Benign (3); Likely benign (1). 1 of the submissions does not count toward it. Last evaluated 2026-01-27.

Conditions:
ELMOD3-related disorder. Also called: ELMOD3-related condition.

Allele frequency attached by ClinVar (database versions not stated): gnomAD exomes 0.00049 and 0.00135; ExAC 0.00161; gnomAD 0.00557 and 0.00600; ESP Exome Variant Server 0.00577; 1000 Genomes Project 0.00599; TOPMed 0.00600; 1000 Genomes Project 30x 0.00609.
gnomAD v4.1: 1,593 of 1,614,208 alleles (0.099%); highest among the groups gnomAD compares: African/African-American, 1.9%; 21 homozygotes.

Submissions (5):

Labcorp Genetics (formerly Invitae), Labcorp
Classification: Benign. Last evaluated: 2026-01-27. Review status: criteria provided, single submitter. Criteria: Invitae Variant Classification Sherloc (09022015). Collection method: clinical testing. Allele origin: germline.

Blueprint Genetics
Classification: Likely benign. Last evaluated: 2024-10-16. Review status: criteria provided, single submitter. Criteria: ACMG Guidelines, 2015. Collection method: clinical testing. Allele origin: germline.

GeneDx
Classification: Benign. Last evaluated: 2019-08-14. Review status: criteria provided, single submitter. Criteria: GeneDx Variant Classification Process June 2021. Collection method: clinical testing. Allele origin: germline. Affected: yes.

Breakthrough Genomics
Classification: Benign. Review status: criteria provided, single submitter. Criteria: ACMG Guidelines, 2015. Collection method: not provided. Allele origin: germline. Inheritance: Autosomal recessive inheritance. Affected: yes.

PreventionGenetics, part of Exact Sciences
Classification: Benign for ELMOD3-related condition. Last evaluated: 2024-05-06. Review status: no assertion criteria provided. Collection method: clinical testing. Allele origin: germline. Not counted in ClinVar's aggregate classification.
Comment: This variant is classified as benign based on ACMG/AMP sequence variant interpretation guidelines (Richards et al. 2015 PMID: 25741868, with internal and published modifications).

NM_001135022.2(ELMOD3):c.562G>A (p.Asp188Asn)

Gene: ELMOD3 (ELMO domain containing 3; plus strand). Cytogenetic location: 2p11.2.
Variant type: single nucleotide variant.
Coding change: c.562G>A on transcript NM_001135022.2 (MANE Select); coding-DNA position 562, G replaced by A.
Protein change: p.Asp188Asn; replaces aspartic acid 188 with asparagine.
Molecular consequence: missense variant. On other transcripts: non-coding transcript variant (1).
Genome position (GRCh38, 1-based): chr2:85,371,517, G>A. VCF-style: chr2-85371517-G-A. GRCh37 (hg19) VCF-style: chr2-85598640-G-A.
Other names: c.562G>A, p.Asp188Asn (NM_001135021.2, NM_001135023.2, NM_001329791.2 and 2 more transcripts); short protein forms D188N.
Identifiers: ClinVar variation 770506 (VCV000770506.14), dbSNP rs116470781, ClinGen allele CA1740390.